The following is an entry in ClinVar:

NM_001148.6(ANK2):c.298G>A (p.Ala100Thr)

Gene: ANK2 (ankyrin 2; plus strand). Cytogenetic location: 4q25.
Variant type: single nucleotide variant.
Coding change: c.298G>A on transcript NM_001148.6 (MANE Select); coding-DNA position 298, G replaced by A.
Protein change: p.Ala100Thr; replaces alanine 100 with threonine.
Molecular consequence: missense variant.
Genome position (GRCh38, 1-based): chr4:113,199,023, G>A. VCF-style: chr4-113199023-G-A. GRCh37 (hg19) VCF-style: chr4-114120179-G-A.
Other names: c.235G>A, p.Ala79Thr (NM_001354252.2, NM_001354253.2, NM_001354254.2 and 33 more transcripts); c.298G>A, p.Ala100Thr (NM_001354258.2, NM_001354273.2, NM_001354225.2 and 9 more transcripts); c.280G>A, p.Ala94Thr (NM_001354261.2, NM_001386147.1, NM_001386160.1); c.343G>A, p.Ala115Thr (NM_001386144.1, NM_001354230.2, NM_001354231.2 and 5 more transcripts); c.286G>A, p.Ala96Thr (NM_001354269.3, NM_001386148.2, NM_001386186.2 and 1 more transcripts); c.349G>A, p.Ala117Thr (NM_001386174.1, NM_001386175.1); short protein forms A100T, A117T, A96T, A115T, A79T, A94T.
Identifiers: ClinVar variation 4096918 (VCV004096918.1).

ClinVar aggregate classification (germline): Uncertain significance (1 of 4 stars; one submission).

Conditions:
Cardiovascular phenotype. Identifiers: MedGen CN230736.

gnomAD v4.1: 5 of 1,612,702 alleles (0.00031%); highest among the groups gnomAD compares: South Asian, 0.0022%; no homozygotes.

Submission:

Ambry Genetics
Classification: Uncertain significance for Cardiovascular phenotype. Last evaluated: 2025-09-07. Review status: criteria provided, single submitter. Criteria: Ambry Variant Classification Scheme 2023. Collection method: clinical testing. Allele origin: germline.
Comment: The p.A100T variant (also known as c.298G>A), located in coding exon 4 of the ANK2 gene, results from a G to A substitution at nucleotide position 298. The alanine at codon 100 is replaced by threonine, an amino acid with similar properties. This amino acid position is conserved. In addition, this alteration is predicted to be deleterious by in silico analysis. Based on the available evidence, the clinical significance of this variant remains unclear.